The following is an entry in ClinVar:

NM_025179.4(PLXNA2):c.3759C>G (p.Val1253=)

Gene: PLXNA2 (plexin A2; minus strand). Cytogenetic location: 1q32.2.
Variant type: single nucleotide variant.
Coding change: c.3759C>G on transcript NM_025179.4 (MANE Select); coding-DNA position 3759, C replaced by G.
Protein change: p.Val1253=; no amino-acid change (valine 1253 retained).
Molecular consequence: synonymous variant.
Genome position (GRCh38, 1-based): chr1:208,044,623, G>C on the plus strand (C>G on the coding strand, the complement: PLXNA2 is on the minus strand). VCF-style: chr1-208044623-G-C. GRCh37 (hg19) VCF-style: chr1-208217968-G-C.
Other names: c.3759C>G (NM_025179.3).
Identifiers: ClinVar variation 1653472 (VCV001653472.10), dbSNP rs200004691, ClinGen allele CA1373076.

ClinVar aggregate classification (germline): Benign. Review status: criteria provided, single submitter (1 of 4 stars). 2 submissions from 2 submitters: Benign (1). 1 of the submissions does not count toward it. Last evaluated 2025-07-14.

Conditions:
PLXNA2-related disorder. Also called: PLXNA2-related condition.

Allele frequency attached by ClinVar (database versions not stated): ESP Exome Variant Server 0.00008; ExAC 0.00024; gnomAD 0.00024 and 0.00027; gnomAD exomes 0.00024 and 0.00031.
gnomAD v4.1: 387 of 1,614,018 alleles (0.024%); highest among the groups gnomAD compares: Non-Finnish European, 0.016%; no homozygotes.

Submissions (2):

Labcorp Genetics (formerly Invitae), Labcorp
Classification: Benign. Last evaluated: 2025-07-14. Review status: criteria provided, single submitter. Criteria: Invitae Variant Classification Sherloc (09022015). Collection method: clinical testing. Allele origin: germline.

PreventionGenetics, part of Exact Sciences
Classification: Likely benign for PLXNA2-related condition. Last evaluated: 2021-05-21. Review status: no assertion criteria provided. Collection method: clinical testing. Allele origin: germline. Not counted in ClinVar's aggregate classification.
Comment: This variant is classified as likely benign based on ACMG/AMP sequence variant interpretation guidelines (Richards et al. 2015 PMID: 25741868, with internal and published modifications).